The following is an entry in ClinVar:

ClinVar aggregate classification (germline): Conflicting classifications of pathogenicity. Review status: criteria provided, conflicting classifications (1 of 4 stars). 3 submissions from 3 submitters: Uncertain significance (2); Likely benign (1). Last evaluated 2024-12-02.

Conditions:
Cardiovascular phenotype. Identifiers: MedGen CN230736.
Atrioventricular septal defect 4 (AVSD4). Identifiers: MedGen C3280781, MONDO:0013747, OMIM 614430.

Allele frequency attached by ClinVar (database versions not stated): gnomAD exomes 0.00004 and 0.00005; ESP Exome Variant Server 0.00008; ExAC 0.00009; gnomAD 0.00001; TOPMed 0.00003.

Submissions (3):

Labcorp Genetics (formerly Invitae), Labcorp
Classification: Likely benign for Atrioventricular septal defect 4. Last evaluated: 2024-12-02. Review status: criteria provided, single submitter. Criteria: Invitae Variant Classification Sherloc (09022015). Collection method: clinical testing. Allele origin: germline.

GeneDx
Classification: Uncertain significance. Last evaluated: 2023-05-01. Review status: criteria provided, single submitter. Criteria: GeneDx Variant Classification Process June 2021. Collection method: clinical testing. Allele origin: germline. Affected: yes.
Comment: Has not been previously published as pathogenic or benign to our knowledge; In silico analysis supports that this missense variant does not alter protein structure/function

Ambry Genetics
Classification: Uncertain significance for Cardiovascular phenotype. Last evaluated: 2021-11-22. Review status: criteria provided, single submitter. Criteria: Ambry Variant Classification Scheme 2023. Collection method: clinical testing. Allele origin: germline.

NM_001308093.3(GATA4):c.1088G>A (p.Arg363His)

Gene: GATA4 (GATA binding protein 4). Cytogenetic location: 8p23.1.
Variant type: single nucleotide variant.
Coding change: c.1088G>A on transcript NM_001308093.3 (MANE Select); coding-DNA position 1088, G replaced by A.
Protein change: p.Arg363His; replaces arginine 363 with histidine.
Molecular consequence: missense variant.
Genome position (GRCh38, 1-based): chr8:11,757,022, G>A. VCF-style: chr8-11757022-G-A. GRCh37 (hg19) VCF-style: chr8-11614531-G-A.
Other names: c.467G>A, p.Arg156His (NM_001308094.2, NM_001374273.1); c.341G>A, p.Arg114His (NM_001374274.1); c.1085G>A, p.Arg362His (NM_002052.5); short protein forms R363H, R156H, R114H, R362H.
Identifiers: ClinVar variation 958955 (VCV000958955.7), dbSNP rs139893755, ClinGen allele CA4630821.